The following is an entry in ClinVar:

ClinVar aggregate classification (germline): Uncertain significance (1 of 4 stars; one submission).

Conditions:
Ornithine carbamoyltransferase deficiency (OTCD). Also called: Ornithine Carbamoyltransferase Deficiency Disease; ORNITHINE TRANSCARBAMYLASE DEFICIENCY; ORNITHINE TRANSCARBAMYLASE DEFICIENCY, HYPERAMMONEMIA DUE TO; OTC DEFICIENCY. Identifiers: Orphanet 664, MedGen C0268542, MONDO:0010703, OMIM 311250.

gnomAD v4.1: 1 of 1,210,621 alleles (0.000083%); highest among the groups gnomAD compares: Non-Finnish European, 0.00011%; no homozygotes.

Submission:

All of Us Research Program, National Institutes of Health
Classification: Uncertain significance for Ornithine carbamoyltransferase deficiency. Last evaluated: 2024-03-24. Review status: criteria provided, single submitter. Criteria: ACMG Guidelines, 2015. Collection method: clinical testing. Allele origin: germline. Inheritance: X-linked inheritance. Observed: 1 variant allele, 1 heterozygote.
Comment: This missense variant replaces threonine with alanine at codon 262 of the OTC protein. Computational prediction suggests that this variant may have deleterious impact on protein structure and function (internally defined REVEL score threshold >= 0.7, PMID: 27666373). To our knowledge, functional studies have not been reported for this variant. This variant has not been reported in individuals affected with OTC-related disorders in the literature. This variant has not been identified in the general population by the Genome Aggregation Database (gnomAD). The available evidence is insufficient to determine the role of this variant in disease conclusively. Therefore, this variant is classified as a Variant of Uncertain Significance.

This study involves interpretation of variants in research participants for the purpose of population health screening. Participant phenotype was not available at the time of variant classification. Additional details can be found in publication PMID: 35346344, PMCID: PMC8962531

NM_000531.6(OTC):c.784A>G (p.Thr262Ala)

Gene: OTC (ornithine transcarbamylase; plus strand). Cytogenetic location: Xp11.4.
Variant type: single nucleotide variant.
Coding change: c.784A>G on transcript NM_000531.6 (MANE Select); coding-DNA position 784, A replaced by G.
Protein change: p.Thr262Ala; replaces threonine 262 with alanine.
Molecular consequence: missense variant.
Genome position (GRCh38, 1-based): chrX:38,408,942, A>G. VCF-style: chrX-38408942-A-G. GRCh37 (hg19) VCF-style: chrX-38268195-A-G.
Other names: c.784A>G, p.Thr262Ala (NM_001407092.1); short protein forms T262A.
Identifiers: ClinVar variation 3387415 (VCV003387415.1).
Genomic context (GRCh38, chrX:38,408,942, plus strand): 5'-ACCAAGCTGTTGCTGACAAATGATCCATTGGAAGCAGCGCATGGAGGCAATGTATTAATT[A>G]CAGACACTTGGATAAGCATGGGACAAGAAGAGGAGAAGAAAAAGCGGCTCCAGGCTTTCC-3'
Protein context (NP_000522.3, residues 252-272): EAAHGGNVLI[Thr262Ala]DTWISMGQEE